The following is an entry in ClinVar:

ClinVar aggregate classification (germline): Uncertain significance. Review status: criteria provided, multiple submitters, no conflicts (2 of 4 stars). 2 submissions from 2 submitters: Uncertain significance (2). Last evaluated 2024-12-26.

Conditions:
Hereditary cancer-predisposing syndrome. Also called: Hereditary Cancer Syndrome; Tumor predisposition; Hereditary neoplastic syndrome; Neoplastic Syndromes, Hereditary. Identifiers: Orphanet 140162, MedGen C0027672, MeSH D009386, MONDO:0015356.
EGFR-related lung cancer (EGFR). Identifiers: MedGen CN130014.

Allele frequency attached by ClinVar (database versions not stated): gnomAD exomes below 0.00001; TOPMed 0.00003; ESP Exome Variant Server 0.00008.
gnomAD v4.1: 6 of 1,614,224 alleles (0.00037%); highest among the groups gnomAD compares: African/African-American, 0.0013%; no homozygotes.

Submissions (2):

Ambry Genetics
Classification: Uncertain significance for Hereditary cancer-predisposing syndrome. Last evaluated: 2024-12-26. Review status: criteria provided, single submitter. Criteria: Ambry Variant Classification Scheme 2023. Collection method: clinical testing. Allele origin: germline.
Comment: The p.V292M variant (also known as c.874G>A), located in coding exon 7 of the EGFR gene, results from a G to A substitution at nucleotide position 874. The valine at codon 292 is replaced by methionine, an amino acid with highly similar properties. This amino acid position is highly conserved in available vertebrate species. In addition, the in silico prediction for this alteration is inconclusive. Based on the available evidence, the clinical significance of this variant remains unclear.

Labcorp Genetics (formerly Invitae), Labcorp
Classification: Uncertain significance for EGFR-related lung cancer. Last evaluated: 2024-11-18. Review status: criteria provided, single submitter. Criteria: Invitae Variant Classification Sherloc (09022015). Collection method: clinical testing. Allele origin: germline.
Comment: This sequence change replaces valine, which is neutral and non-polar, with methionine, which is neutral and non-polar, at codon 292 of the EGFR protein (p.Val292Met). This variant is present in population databases (rs150549265, gnomAD 0.002%). This missense change has been observed in individual(s) with breast cancer (PMID: 28229982). ClinVar contains an entry for this variant (Variation ID: 1040498). Invitae Evidence Modeling of protein sequence and biophysical properties (such as structural, functional, and spatial information, amino acid conservation, physicochemical variation, residue mobility, and thermodynamic stability) has been performed for this missense variant. However, the output from this modeling did not meet the statistical confidence thresholds required to predict the impact of this variant on EGFR protein function. In summary, the available evidence is currently insufficient to determine the role of this variant in disease. Therefore, it has been classified as a Variant of Uncertain Significance.

Literature cited by the submitters: PubMed 28229982 (cited by Labcorp Genetics (formerly Invitae), Labcorp).

NM_005228.5(EGFR):c.874G>A (p.Val292Met)

Gene: EGFR (epidermal growth factor receptor; plus strand). Cytogenetic location: 7p11.2.
Variant type: single nucleotide variant.
Coding change: c.874G>A on transcript NM_005228.5 (MANE Select); coding-DNA position 874, G replaced by A.
Protein change: p.Val292Met; replaces valine 292 with methionine.
Molecular consequence: missense variant. On other transcripts: intron variant (1).
Genome position (GRCh38, 1-based): chr7:55,154,137, G>A. VCF-style: chr7-55154137-G-A. GRCh37 (hg19) VCF-style: chr7-55221830-G-A.
Other names: c.89-1693G>A (NM_001346941.2); c.874G>A (NM_005228.3); c.739G>A, p.Val247Met (NM_001346897.2, NM_001346899.2); c.874G>A, p.Val292Met (NM_001346898.2, NM_201282.2, NM_201283.2 and 1 more transcripts); c.715G>A, p.Val239Met (NM_001346900.2); short protein forms V292M, V247M, V239M.
Identifiers: ClinVar variation 1040498 (VCV001040498.8), dbSNP rs150549265, ClinGen allele CA158912268.
Genomic context (GRCh38, chr7:55,154,137, plus strand): 5'-CCCACCACGTACCAGATGGATGTGAACCCCGAGGGCAAATACAGCTTTGGTGCCACCTGC[G>A]TGAAGAAGTGTCCCCGTGAGTCCTCCTCTGTGGGCCCTCTAACTGGTCAGGCATCCTTGT-3'
Protein context (NP_005219.2, residues 282-302): EGKYSFGATC[Val292Met]KKCPRNYVVT